The following is an entry in ClinVar:

ClinVar aggregate classification (germline): Pathogenic. Review status: criteria provided, multiple submitters, no conflicts (2 of 4 stars). 3 submissions from 3 submitters: Pathogenic (2). 1 of the submissions does not count toward it. Last evaluated 2024-03-29.

Conditions:
Rhizomelic chondrodysplasia punctata type 2 (RCDP2). Also called: DIHYDROXYACETONEPHOSPHATE ACYLTRANSFERASE DEFICIENCY; Chondrodysplasia punctata, rhizomelic, due to dihydroxyacetonephosphate acyltransferase deficiency; Glyceronephosphate O-acyltransferase deficiency; PEROXISOMAL DIHYDROXYACETONEPHOSPHATE ACYLTRANSFERASE DEFICIENCY; DHAPAT DEFICIENCY; glyceronephosphate O-acyltransferase (GNPAT) deficiency. Identifiers: Orphanet 177, Orphanet 309796, MedGen C1857242, MONDO:0100273, OMIM 222765. Disease mechanism: loss of function.

Allele frequency attached by ClinVar (database versions not stated): gnomAD exomes below 0.00001; TOPMed below 0.00001.

Submissions (3):

Baylor Genetics
Classification: Pathogenic for Rhizomelic chondrodysplasia punctata type 2. Last evaluated: 2024-03-29. Review status: criteria provided, single submitter. Criteria: ACMG Guidelines, 2015. Collection method: clinical testing. Allele origin: unknown.

Labcorp Genetics (formerly Invitae), Labcorp
Classification: Pathogenic. Last evaluated: 2023-01-28. Review status: criteria provided, single submitter. Criteria: Invitae Variant Classification Sherloc (09022015). Collection method: clinical testing. Allele origin: germline.
Comment: This sequence change creates a premature translational stop signal (p.Tyr284Phefs*16) in the GNPAT gene. It is expected to result in an absent or disrupted protein product. Loss-of-function variants in GNPAT are known to be pathogenic (PMID: 9536089, 21990100). For these reasons, this variant has been classified as Pathogenic. ClinVar contains an entry for this variant (Variation ID: 6843). This variant is also known as 848insTT. This premature translational stop signal has been observed in individual(s) with rhizomelic chondrodysplasia punctata (PMID: 9536089). This variant is not present in population databases (gnomAD no frequency).

OMIM
Classification: Pathogenic for RHIZOMELIC CHONDRODYSPLASIA PUNCTATA, TYPE 2. Last evaluated: 1998-05-01. Review status: no assertion criteria provided. Collection method: literature only. Allele origin: germline. Not counted in ClinVar's aggregate classification.

Literature cited by the submitters: PubMed 9536089 (cited by Labcorp Genetics (formerly Invitae), Labcorp and OMIM); PubMed 21990100 (cited by Labcorp Genetics (formerly Invitae), Labcorp); PubMed 1405476 (cited by OMIM).

NM_014236.4(GNPAT):c.849_850dup (p.Tyr284fs)

Gene: GNPAT (glyceronephosphate O-acyltransferase; plus strand). Cytogenetic location: 1q42.2.
Variant type: Duplication.
Coding change: c.849_850dup on transcript NM_014236.4 (MANE Select); coding-DNA positions 849 to 850, 2 bases duplicated (TT; older notation c.849_850dupTT).
Protein change: p.Tyr284fs; shifts the reading frame from tyrosine 284.
Molecular consequence: frameshift variant.
Genome position (GRCh38, 1-based): chr1:231,266,090-231,266,091, TT duplicated. VCF-style (leftmost placement, unchanged base first): chr1-231266089-G-GTT. GRCh37 (hg19) VCF-style: chr1-231401835-G-GTT.
Other names: c.666_667dup, p.Tyr223fs (NM_001316350.2); short protein forms Y223fs, Y284fs.
Identifiers: ClinVar variation 6843 (VCV000006843.5), dbSNP rs1558334625, ClinGen allele CA913073062.